The following is an entry in ClinVar:

NM_172250.3(MMAA):c.278T>G (p.Leu93Ter)

Gene: MMAA (metabolism of cobalamin associated A; plus strand). Cytogenetic location: 4q31.21.
Variant type: single nucleotide variant.
Coding change: c.278T>G on transcript NM_172250.3 (MANE Select); coding-DNA position 278, T replaced by G.
Protein change: p.Leu93Ter; replaces leucine 93 with a stop codon.
Molecular consequence: nonsense.
Genome position (GRCh38, 1-based): chr4:145,639,417, T>G. VCF-style: chr4-145639417-T-G. GRCh37 (hg19) VCF-style: chr4-146560569-T-G.
Other names: c.278T>G, p.Leu93Ter (NM_001375644.1); short protein forms L93*.
Identifiers: ClinVar variation 5006735 (VCV005006735.2).
Genomic context (GRCh38, chr4:145,639,417, plus strand): 5'-ACCACACAGAAGGACTTTCTGATAAAGAGCAAAGATTTGTGGATAAACTTTATACTGGTT[T>G]AATCCAAGGGCAAAGGGCCTGTTTAGCAGAGGCCATAACTCTTGTAGAATCAACTCACAG-3'

ClinVar aggregate classification (germline): Likely pathogenic (1 of 4 stars; one submission).

Conditions:
Methylmalonic aciduria, cblA type (MACA). Also called: Methylmalonic aciduria, vitamin b12-responsive, due to defect in synthesis of adenosylcobalamin, cbla complementation type; MMA cbl A type; Methylmalonic acidemia cblA type; Methylmalonic aciduria, vitamin B12-responsive; Vitamin B12-responsive methylmalonic acidemia type cblA. Identifiers: Orphanet 28, Orphanet 79310, MedGen C1855109, MONDO:0009613, OMIM 251100.

Submission:

Juno Genomics, Hangzhou Juno Genomics, Inc
Classification: Likely pathogenic for Methylmalonic aciduria, cblA type. Review status: criteria provided, single submitter. Criteria: ACMG Guidelines, 2015. Collection method: clinical testing. Allele origin: germline.
Comment: Null variant in a gene where loss of function (LOF) is a known mechanism of disease.;Absent from controls (or at extremely low frequency if recessive) in Genome Aggregation Database.